The following is an entry in ClinVar:

NM_004360.5(CDH1):c.876T>A (p.Asp292Glu)

Gene: CDH1 (cadherin 1; plus strand). Cytogenetic location: 16q22.1.
Variant type: single nucleotide variant.
Coding change: c.876T>A on transcript NM_004360.5 (MANE Select); coding-DNA position 876, T replaced by A.
Protein change: p.Asp292Glu; replaces aspartic acid 292 with glutamic acid.
Molecular consequence: missense variant. On other transcripts: 5 prime UTR variant (2).
Genome position (GRCh38, 1-based): chr16:68,811,727, T>A. VCF-style: chr16-68811727-T-A. GRCh37 (hg19) VCF-style: chr16-68845630-T-A.
Other names: c.876T>A, p.Asp292Glu (NM_001317184.2); c.-740T>A (NM_001317185.2); c.-944T>A (NM_001317186.2); short protein forms D292E.
Identifiers: ClinVar variation 5033897 (VCV005033897.1).

ClinVar aggregate classification (germline): Uncertain significance (1 of 4 stars; one submission).

Conditions:
Hereditary cancer-predisposing syndrome. Also called: Neoplastic Syndromes, Hereditary; Tumor predisposition; Hereditary neoplastic syndrome; Hereditary Cancer Syndrome. Identifiers: Orphanet 140162, MedGen C0027672, MeSH D009386, MONDO:0015356.

Submission:

Ambry Genetics
Classification: Uncertain significance for Hereditary cancer-predisposing syndrome. Last evaluated: 2026-07-06. Review status: criteria provided, single submitter. Criteria: Ambry Variant Classification Scheme 2023. Collection method: clinical testing. Allele origin: germline.
Comment: The p.D292E variant (also known as c.876T>A), located in coding exon 7 of the CDH1 gene, results from a T to A substitution at nucleotide position 876. The aspartic acid at codon 292 is replaced by glutamic acid, an amino acid with highly similar properties. This amino acid position is conserved. In addition, this alteration is predicted to be tolerated by in silico analysis. Based on the available evidence, the clinical significance of this variant remains unclear.